The following is an entry in ClinVar:

NM_001114753.3(ENG):c.896T>G (p.Leu299Arg)

Gene: ENG (endoglin; minus strand). Cytogenetic location: 9q34.11.
Variant type: single nucleotide variant.
Coding change: c.896T>G on transcript NM_001114753.3 (MANE Select); coding-DNA position 896, T replaced by G.
Protein change: p.Leu299Arg; replaces leucine 299 with arginine.
Molecular consequence: missense variant.
Genome position (GRCh38, 1-based): chr9:127,824,895, A>C on the plus strand (T>G on the coding strand, the complement: ENG is on the minus strand). VCF-style: chr9-127824895-A-C. GRCh37 (hg19) VCF-style: chr9-130587174-A-C.
Other names: c.896T>G, p.Leu299Arg (NM_000118.4, NM_001406715.1); c.350T>G, p.Leu117Arg (NM_001278138.2); short protein forms L117R, L299R.
Identifiers: ClinVar variation 982483 (VCV000982483.10), dbSNP rs1830569662, ClinGen allele CA374982466.

ClinVar aggregate classification (germline): Likely pathogenic. Review status: criteria provided, multiple submitters, no conflicts (2 of 4 stars). 2 submissions from 2 submitters: Likely pathogenic (2). Last evaluated 2024-08-15.

Conditions:
Hereditary hemorrhagic telangiectasia (HHT). Also called: Osler hemorrhagic telangiectasia syndrome; ORW DISEASE; Osler Weber Rendu syndrome; OSLER-RENDU-WEBER DISEASE. Identifiers: Orphanet 774, MedGen C0039445, MONDO:0019180. Disease mechanism: loss of function.
Telangiectasia, hereditary hemorrhagic, type 1 (HHT1). Also called: Osler Weber Rendu syndrome type 1; ENG-Related Hereditary Hemorrhagic Telangiectasia. Identifiers: Orphanet 774, MedGen C4551861, MONDO:0008535, OMIM 187300. Disease mechanism: loss of function.

Submissions (2):

Labcorp Genetics (formerly Invitae), Labcorp
Classification: Likely pathogenic for Hereditary hemorrhagic telangiectasia. Last evaluated: 2024-08-15. Review status: criteria provided, single submitter. Criteria: Invitae Variant Classification Sherloc (09022015). Collection method: clinical testing. Allele origin: germline.
Comment: This sequence change replaces leucine, which is neutral and non-polar, with arginine, which is basic and polar, at codon 299 of the ENG protein (p.Leu299Arg). This variant is not present in population databases (gnomAD no frequency). This missense change has been observed in individuals with clinical features of hereditary hemorrhagic telangiectasia (PMID: 32573726; Invitae). ClinVar contains an entry for this variant (Variation ID: 982483). Invitae Evidence Modeling of protein sequence and biophysical properties (such as structural, functional, and spatial information, amino acid conservation, physicochemical variation, residue mobility, and thermodynamic stability) indicates that this missense variant is expected to disrupt ENG protein function with a positive predictive value of 95%. In summary, the currently available evidence indicates that the variant is pathogenic, but additional data are needed to prove that conclusively. Therefore, this variant has been classified as Likely Pathogenic.

NIHR Bioresource Rare Diseases, University of Cambridge
Classification: Likely pathogenic for Telangiectasia, hereditary hemorrhagic, type 1. Last evaluated: 2018-01-01. Review status: criteria provided, single submitter. Criteria: ACMG Guidelines, 2015. Collection method: research. Allele origin: unknown. Affected: yes. Observed: 1 variant allele.
Comment: PM2+PM1+PP4

Literature cited by the submitters: PubMed 32573726 (cited by Labcorp Genetics (formerly Invitae), Labcorp and NIHR Bioresource Rare Diseases, University of Cambridge).